The following is an entry in ClinVar:

ClinVar aggregate classification (germline): Uncertain significance (1 of 4 stars; one submission).

Conditions:
Cardiovascular phenotype. Identifiers: MedGen CN230736.

Submission:

Ambry Genetics
Classification: Uncertain significance for Cardiovascular phenotype. Last evaluated: 2024-05-05. Review status: criteria provided, single submitter. Criteria: Ambry Variant Classification Scheme 2023. Collection method: clinical testing. Allele origin: germline.
Comment: The p.V3159G variant (also known as c.9476T>G), located in coding exon 2 of the ZNF469 gene, results from a T to G substitution at nucleotide position 9476. The valine at codon 3159 is replaced by glycine, an amino acid with dissimilar properties. This amino acid position is conserved. In addition, this alteration is predicted to be tolerated by in silico analysis. Based on the available evidence, the clinical significance of this variant remains unclear.

NM_001367624.2(ZNF469):c.9560T>G (p.Val3187Gly)

Gene: ZNF469 (zinc finger protein 469; plus strand). Cytogenetic location: 16q24.2.
Variant type: single nucleotide variant.
Coding change: c.9560T>G on transcript NM_001367624.2 (MANE Select); coding-DNA position 9560, T replaced by G.
Protein change: p.Val3187Gly; replaces valine 3187 with glycine.
Molecular consequence: missense variant.
Genome position (GRCh38, 1-based): chr16:88,437,030, T>G. VCF-style: chr16-88437030-T-G. GRCh37 (hg19) VCF-style: chr16-88503438-T-G.
Other names: NM_001127464.1:c.9476T>G; short protein forms V3187G.
Identifiers: ClinVar variation 3258258 (VCV003258258.1).
Genomic context (GRCh38, chr16:88,437,030, plus strand): 5'-ACGCGCAGAGCAAGGCCGGGCCCTGGGCGTGCGGCATGTGCCTGAAGGAGGTGGCCGACG[T>G]CTGGATGTACAACGAGCACCTGCGTGAGCACGCGGTCCGCTTCGCCCGCAGGGGGCAGGC-3'
Protein context (NP_001354553.1, residues 3177-3197): CGMCLKEVAD[Val3187Gly]WMYNEHLREH